The following continues an entry in ClinVar:

NM_007294.4(BRCA1):c.5504G>A (p.Arg1835Gln)

Gene: BRCA1. ClinVar aggregate classification (germline): Conflicting classifications of pathogenicity. Uncertain significance (11); Likely benign (3).

Submissions 8 to 17 of 20:

Lupski Lab, Baylor-Hopkins CMG, Baylor College of Medicine
Classification: Likely benign for Breast-ovarian cancer, familial, susceptibility to, 1. Last evaluated: 2024-04-12. Review status: criteria provided, single submitter. Criteria: Dawood et al. (medRxiv. 2024). Collection method: curation. Allele origin: germline.
Comment: Each variant was annotated with functional scores from MAVE data which was translated into functional evidence codes. All other evidence codes and combining criteria were adhered to as closely as possible based on the ClinGen VCEP (Variant Curation Expert Panel) gene-specific recommendations. See Supplemental Figure 34 of final paper (Supp Fig. 28 in preprint: doi:10.1101/2024.04.11.24305690) for a table to see which lines of evidence we did not have data for. The ClinGen VCEPs are highly regarded as the gold-standard for gene-specific variant curation and are developed after extensive evaluation of the evidence by clinical and scientific experts for the particular gene to classify genomic variants on a spectrum from pathogenic to benign using the 2015 ACMG/AMP Variant Interpretation Guidelines as a backbone (PMID: 25741868). Reclassification of these VUS variants from gnomAD or All of Us focused only on variants originally prescribed as VUS in ClinVar. To ensure reproducibility, transparency, and increased throughput, all the procedures for annotating variants and assigning evidence codes were codified using Python. All code has been made freely available and is linked in the Code Availability section and all reclassified variants with evidence codes used can be found in Tables S18-19 (preprint: doi:10.1101/2024.04.11.24305690). For the MAVE data, the clinical curation and clinical strength assignment as per the ClinGen recommendations in Brnich et al. (2020) (PMID: 31892348) for or against pathogenicity or benignity of each of these MAVE datasets utilized in this study were previously published in Fayer et al. (2021) (PMID: 34793697).In brief, for BRCA1 variants, if a variant was categorized as FUNC (functional), it was assigned BS3 evidence and no PS3 evidence, whereas if it was categorized as LOF (loss of function), the variant was assigned PS3 evidence and no BS3 evidence. Variants categorized as INT (intermediate) were left unannotated. For the BRCA1 combining criteria, greater than or equal to 1 criteria of strong benign evidence was enough to reclassify the VUS as Likely Benign. This variant GRCh38:17:43045766:C>T was assigned evidence codes ['BP4', 'BS1_Supporting'] and an overall classification of Likely benign

Ambry Genetics
Classification: Uncertain significance for Hereditary cancer-predisposing syndrome. Last evaluated: 2023-12-27. Review status: criteria provided, single submitter. Criteria: Ambry Variant Classification Scheme 2023. Collection method: clinical testing. Allele origin: germline.
Comment: The p.R1835Q variant (also known as c.5504G>A), located in coding exon 22 of the BRCA1 gene, results from a G to A substitution at nucleotide position 5504. The arginine at codon 1835 is replaced by glutamine, an amino acid with highly similar properties. This alteration was identified in individuals from high-risk breast/ovarian cancer families from diverse ethnic backgrounds (Zidan J et al. Breast Cancer Res. Treat. 2017 Dec;166:881-885; Liang Y et al. Med. Sci. Monit. 2018 Apr;24:2465-2475; Bhaskaran SP et al. Int. J. Cancer. 2019 Aug;145:962-973; Purnomosari D et al. Breast Cancer Res. Treat. 2007 Dec;106:297-304; Thirthagiri E et al. Breast Cancer Res. 2008 Jul;10:R59), but also in a cohort of 681 ancestrally diverse, healthy subjects (Bodian DL et al. PLoS ONE. 2014 Apr;9:e94554). In a high throughput genome editing haploid cell survival assay, this nucleotide substitution had intermediate activity (Findlay GM et al. Nature. 2018 10;562:217-222). In addition, two different transactivation assays demonstrated that this alteration does not significantly disrupt transactivation activity (Langerud J et al. Hum. Genomics. 2018 11;12:51; Fern&aacute;ndez-Lopez JC et al. Hum. Genomics. 2019 01;13:3). This amino acid position is well conserved in available vertebrate species. In addition, this alteration is predicted to be deleterious by in silico analysis. Since supporting evidence is limited and conflicting at this time, the clinical significance of this alteration remains unclear.

Baylor Genetics
Classification: Uncertain significance for Breast-ovarian cancer, familial, susceptibility to, 1. Last evaluated: 2023-12-19. Review status: criteria provided, single submitter. Criteria: ACMG Guidelines, 2015. Collection method: clinical testing. Allele origin: unknown.

All of Us Research Program, National Institutes of Health
Classification: Uncertain significance for Breast-ovarian cancer, familial, susceptibility to, 1. Last evaluated: 2023-04-10. Review status: criteria provided, single submitter. Criteria: ACMG Guidelines, 2015. Collection method: clinical testing. Allele origin: germline. Inheritance: Autosomal dominant inheritance. Observed: 2 variant alleles, 2 heterozygotes.
Comment: This missense variant replaces arginine with glutamine at codon 1835 of the BRCA1 protein. Computational prediction is inconclusive regarding the impact of this variant on protein structure and function (internally defined REVEL score threshold 0.5 < inconclusive < 0.7, PMID: 27666373). Functional studies have shown the mutant protein to be partially functional in a homology-directed DNA repair assay (PMID: 26689913) and in a haploid cell proliferation assay (PMID: 30209399) and show enhanced transactivation activity (PMID: 28781887, 30458859). This variant has been reported in individuals affected with breast cancer (PMID: 17972177, 27257965, 35402282), ovarian cancer (PMID: 18627636, 24504028) and pancreatic cancer (PMID: 32980694 ). This variant has also been observed in a healthy control individual (PMID: 27403073). This variant has been identified in 9/282720 chromosomes in the general population by the Genome Aggregation Database (gnomAD). The available evidence is insufficient to determine the role of this variant in disease conclusively. Therefore, this variant is classified as a Variant of Uncertain Significance.

This study involves interpretation of variants in research participants for the purpose of population health screening. Participant phenotype was not available at the time of variant classification. Additional details can be found in publication PMID: 35346344, PMCID: PMC8962531

Women's Health and Genetics/Laboratory Corporation of America, LabCorp
Classification: Uncertain significance. Last evaluated: 2022-09-06. Review status: criteria provided, single submitter. Criteria: LabCorp Variant Classification Summary - May 2015. Collection method: clinical testing. Allele origin: germline.
Comment: Variant summary: BRCA1 c.5504G>A (p.Arg1835Gln) results in a conservative amino acid change located in the BRCT domain (IPR001357) of the encoded protein sequence. Four of five in-silico tools predict a damaging effect of the variant on protein function. The variant allele was found at a frequency of 3.6e-05 in 251424 control chromosomes.c.5504G>A has been reported in the literature in individuals affected with Hereditary Breast and Ovarian Cancer from diverse ethnic populations without strong evidence for causality (eg. Purnomosari_2007, Thirthagiri_2008, Cunningham_2014, Zhong_2016, Zidan_2017, etc). These reports do not provide unequivocal conclusions about association of the variant with Hereditary Breast and Ovarian Cancer. Functional studies demonstrated that the variant protein displayed partial or intermediate deficiency in homology-directed repair (HDR) activity with a preserved transactivation function (Findlay_2018, Lu_2015, Woods_2016). Six clinical diagnostic laboratories have submitted clinical-significance assessments for this variant to ClinVar after 2014 without evidence for independent evaluation. Five classified the variant as VUS while one classified as likley benign. Based on the evidence outlined above, the variant was classified as VUS.

GeneDx
Classification: Uncertain significance. Last evaluated: 2018-12-20. Review status: criteria provided, single submitter. Criteria: GeneDx Variant Classification (06012015). Collection method: clinical testing. Allele origin: germline. Affected: yes.
Comment: This variant is denoted BRCA1 c.5504G>A at the cDNA level, p.Arg1835Gln (R1835Q) at the protein level, and results in the change of an Arginine to a Glutamine (CGA>CAA). Using alternate nomenclature, this variant has been previously published as BRCA1 5623G>A. This variant was observed in individuals with personal and/or family histories of breast and/or ovarian cancer, as well as in at least one individual with gastric cancer (Purnomosari 2007, Thirthagiri 2008, Cunningham 2014, Lu 2015). Functional assays demonstrated that this variant displayed partial or intermediate deficiency in homology-directed repair activity, but retained normal transactivation function comparable to wild-type (Lu 2015, Woods 2016, Langerud 2018, Findlay 2018). BRCA1 Arg1835Gln was also identified in 1/46 healthy African-European individuals undergoing whole genome sequencing (Bodian 2014). BRCA1 Arg1835Gln was not observed at a significant allele frequency in large population cohorts (Lek 2016). This variant is located in the BRCT2 domain as well as a region known to interact with multiple proteins (Paul 2014, UniProt). In silico analysis, which includes protein predictors and evolutionary conservation, supports a deleterious effect. Based on currently available evidence, it is unclear whether BRCA1 Arg1835Gln is a pathogenic or benign variant. We consider it to be a variant of uncertain significance.

Laboratory of Molecular Diagnosis of Cancer, West China Hospital, Sichuan University
Classification: Uncertain significance for Breast neoplasm. Last evaluated: 2015-11-01. Review status: criteria provided, single submitter. Criteria: ACMG Guidelines, 2015. Collection method: research. Allele origin: germline. Affected: yes. Observed: 1 variant allele.

Counsyl
Classification: Uncertain significance for Breast-ovarian cancer, familial, susceptibility to, 1. Last evaluated: 2018-03-16. Review status: no assertion criteria provided. Collection method: clinical testing. Allele origin: unknown. Not counted in ClinVar's aggregate classification.

Research Molecular Genetics Laboratory, Women's College Hospital, University of Toronto
Classification: Uncertain significance. Last evaluated: 2014-01-31. Review status: no assertion criteria provided. Collection method: research. Allele origin: germline. Affected: yes. Study: The Canadian Open Genetics Repository (COGR). Not counted in ClinVar's aggregate classification.

ITMI
No classification provided. Condition: AllHighlyPenetrant. Last evaluated: 2013-09-19. Review status: no classification provided. Collection method: reference population. Allele origin: germline. Not counted in ClinVar's aggregate classification.
Comment: Please see associated publication for description of ethnicities